The following is an entry in ClinVar:

NM_003722.5(TP63):c.1799G>A (p.Gly600Asp)

Gene: TP63 (tumor protein p63; plus strand). Cytogenetic location: 3q28.
Variant type: single nucleotide variant.
Coding change: c.1799G>A on transcript NM_003722.5 (MANE Select); coding-DNA position 1799, G replaced by A.
Protein change: p.Gly600Asp; replaces glycine 600 with aspartic acid.
Molecular consequence: missense variant. On other transcripts: 3 prime UTR variant (6).
Genome position (GRCh38, 1-based): chr3:189,894,258, G>A. VCF-style: chr3-189894258-G-A. GRCh37 (hg19) VCF-style: chr3-189612047-G-A.
Other names: c.*37G>A (NM_001114978.2, NM_001114981.2); c.1517G>A, p.Gly506Asp (NM_001114980.2); c.*27G>A (NM_001329144.2, NM_001329145.2, NM_001329149.2 and 1 more transcripts); c.1262G>A, p.Gly421Asp (NM_001329146.2); c.1787G>A, p.Gly596Asp (NM_001329148.2); c.1793G>A, p.Gly598Asp (NM_001329964.2); short protein forms G600D, G421D, G506D, G596D, G598D.
Identifiers: ClinVar variation 544362 (VCV000544362.5), dbSNP rs1553863660, ClinGen allele CA355751231.

ClinVar aggregate classification (germline): Pathogenic (1 of 4 stars; one submission).

Conditions:
TP63-Related Spectrum Disorders.

Submission:

Labcorp Genetics (formerly Invitae), Labcorp
Classification: Pathogenic. Last evaluated: 2020-12-16. Review status: criteria provided, single submitter. Criteria: Invitae Variant Classification Sherloc (09022015). Collection method: clinical testing. Allele origin: germline.
Comment: For these reasons, this variant has been classified as Pathogenic. Algorithms developed to predict the effect of missense changes on protein structure and function are either unavailable or do not agree on the potential impact of this missense change (SIFT: "Deleterious"; PolyPhen-2: "Probably Damaging"; Align-GVGD: "Class C0"). This variant has been observed in individual(s) with clinical features of ankyloblepharon-ectodermal defects-cleft lip/palate (AEC) syndrome (PMID: 22329826, 20491771, 16190990, Invitae). It has also been observed to segregate with disease in related individuals. This variant is also known as G506D and p.Gly561Asp. ClinVar contains an entry for this variant (Variation ID: 544362). This variant is not present in population databases (ExAC no frequency). This sequence change replaces glycine with aspartic acid at codon 600 of the TP63 protein (p.Gly600Asp). The glycine residue is highly conserved and there is a moderate physicochemical difference between glycine and aspartic acid.

Literature cited by the submitters: PubMed 22329826; PubMed 20491771; PubMed 16190990.